The following is an entry in ClinVar:

ClinVar aggregate classification (germline): Uncertain significance (1 of 4 stars; one submission).

Conditions:
Ritscher-Schinzel syndrome 2. Identifiers: Orphanet 7, MedGen C4225419, MONDO:0010499, OMIM 300963.

Submission:

Institute of Human Genetics, University of Leipzig Medical Center
Classification: Uncertain significance for Ritscher-Schinzel syndrome 2. Last evaluated: 2018-07-24. Review status: criteria provided, single submitter. Criteria: ACMG Guidelines, 2015. Collection method: clinical testing. Allele origin: germline. Affected: yes. Observed: 1 variant allele.
Comment: This variant was identified as hemizygous

NM_014008.5(CCDC22):c.1636-6G>C

Gene: CCDC22 (coiled-coil domain containing 22; plus strand). Cytogenetic location: Xp11.23.
Variant type: single nucleotide variant.
Coding change: c.1636-6G>C on transcript NM_014008.5 (MANE Select); 6 bases into the intron before coding-DNA position 1636, G replaced by C.
Molecular consequence: intron variant.
Genome position (GRCh38, 1-based): chrX:49,249,503, G>C. VCF-style: chrX-49249503-G-C. GRCh37 (hg19) VCF-style: chrX-49105964-G-C.
Identifiers: ClinVar variation 976070 (VCV000976070.1), dbSNP rs2066012194, ClinGen allele CA1139667542.